The following is an entry in ClinVar:

NM_001382430.1(AKT1):c.1324T>C (p.Phe442Leu)

Gene: AKT1 (AKT serine/threonine kinase 1; minus strand). Cytogenetic location: 14q32.33.
Variant type: single nucleotide variant.
Coding change: c.1324T>C on transcript NM_001382430.1 (MANE Select); coding-DNA position 1324, T replaced by C.
Protein change: p.Phe442Leu; replaces phenylalanine 442 with leucine.
Molecular consequence: missense variant.
Genome position (GRCh38, 1-based): chr14:104,770,784, A>G on the plus strand (T>C on the coding strand, the complement: AKT1 is on the minus strand). VCF-style: chr14-104770784-A-G. GRCh37 (hg19) VCF-style: chr14-105237121-A-G.
Other names: c.1324T>C, p.Phe442Leu (NM_001014431.2, NM_001014432.2, NM_001382431.1 and 3 more transcripts); short protein forms F442L.
Identifiers: ClinVar variation 3850769 (VCV003850769.1).
Genomic context (GRCh38, chr14:104,770,784, plus strand): 5'-GGGCAGGCAGTGGCCCCTCACCTTGGTCAGGTGGTGTGATGGTGATCATCTGGGCCGTGA[A>G]CTCCTCATCAAAATACCTGGTGTCAGTCTCCGACGTGACCTGGGGCTTGAAGGGTGGGCT-3'
Protein context (NP_001369359.1, residues 432-452): ETDTRYFDEE[Phe442Leu]TAQMITITPP

ClinVar aggregate classification (germline): Uncertain significance (1 of 4 stars; one submission).

Conditions:
Inborn genetic diseases. Identifiers: MedGen C0950123, MeSH D030342.

Submission:

Ambry Genetics
Classification: Uncertain significance for Inborn genetic diseases. Last evaluated: 2025-02-06. Review status: criteria provided, single submitter. Criteria: Ambry Variant Classification Scheme 2023. Collection method: clinical testing. Allele origin: germline.
Comment: The p.F442L variant (also known as c.1324T>C), located in coding exon 12 of the AKT1 gene, results from a T to C substitution at nucleotide position 1324. The phenylalanine at codon 442 is replaced by leucine, an amino acid with highly similar properties. This amino acid position is conserved. In addition, the in silico prediction for this alteration is inconclusive. Based on the available evidence, the clinical significance of this variant remains unclear.